The following is an entry in ClinVar:

ClinVar aggregate classification (germline): Conflicting classifications of pathogenicity. Review status: criteria provided, conflicting classifications (1 of 4 stars). 3 submissions from 3 submitters: Uncertain significance (2); Likely benign (1). Last evaluated 2025-04-21.

Conditions:
ZTTK syndrome (ZTTKS). Also called: Zhu-Tokita-Takenouchi-Kim Syndrome; ZTTK MULTIPLE CONGENITAL ANOMALIES-MENTAL RETARDATION SYNDROME. Identifiers: Orphanet 500150, MedGen C4310696, MONDO:0014936, OMIM 617140.

Allele frequency attached by ClinVar (database versions not stated): TOPMed 0.00001.

Submissions (3):

Labcorp Genetics (formerly Invitae), Labcorp
Classification: Likely benign. Last evaluated: 2025-04-21. Review status: criteria provided, single submitter. Criteria: Invitae Variant Classification Sherloc (09022015). Collection method: clinical testing. Allele origin: germline.

Baylor Genetics
Classification: Uncertain significance for ZTTK syndrome. Last evaluated: 2019-06-26. Review status: criteria provided, single submitter. Criteria: ACMG Guidelines, 2015. Collection method: clinical testing. Allele origin: unknown. Affected: yes.
Comment: This variant was determined to be of uncertain significance according to ACMG Guidelines, 2015 [PMID:25741868].

GeneDx
Classification: Uncertain significance. Last evaluated: 2017-08-14. Review status: criteria provided, single submitter. Criteria: GeneDx Variant Classification (06012015). Collection method: clinical testing. Allele origin: germline. Affected: yes.
Comment: The P1196L variant in the SON gene has not been reported previously as a pathogenic variant, nor as a benign variant, to our knowledge. The P1196L variant is not observed in large population cohorts (Lek et al., 2016; 1000 Genomes Consortium et al., 2015; Exome Variant Server). The P1196L variant is a semi-conservative amino acid substitution, which may impact secondary protein structure as these residues differ in some properties. This substitution occurs at a position that is not conserved. In silico analysis is inconsistent in its predictions as to whether or not the variant is damaging to the protein structure/function. We interpret P1196L as a variant of uncertain significance

NM_138927.4(SON):c.3587C>T (p.Pro1196Leu)

Gene: SON (SON DNA and RNA binding protein; plus strand). Cytogenetic location: 21q22.11.
Variant type: single nucleotide variant.
Coding change: c.3587C>T on transcript NM_138927.4 (MANE Select); coding-DNA position 3587, C replaced by T.
Protein change: p.Pro1196Leu; replaces proline 1196 with leucine.
Molecular consequence: missense variant. On other transcripts: non-coding transcript variant (1), intron variant (1).
Genome position (GRCh38, 1-based): chr21:33,552,818, C>T. VCF-style: chr21-33552818-C-T. GRCh37 (hg19) VCF-style: chr21-34925124-C-T.
Other names: c.3587C>T, p.Pro1196Leu (NM_001291411.2, NM_032195.3); c.245-4338C>T (NM_001291412.3); short protein forms P1196L.
Identifiers: ClinVar variation 451038 (VCV000451038.4), dbSNP rs1225874870, ClinGen allele CA410160517.
Genomic context (GRCh38, chr21:33,552,818, plus strand): 5'-CACCAGAGGGTCCAGCATTGCCCACTGAGCAGTCAGCATTAACAGCTGAAAATACTTGGC[C>T]TACAGAGGTGCCATCATCACCATCTGAAGAGTCTGTATCGCAGCCTGAGCCTCCTGTGAG-3'
Protein context (NP_620305.3, residues 1186-1206): QSALTAENTW[Pro1196Leu]TEVPSSPSEE